The following is an entry in ClinVar:

ClinVar aggregate classification (germline): Likely benign. Review status: criteria provided, multiple submitters, no conflicts (2 of 4 stars). 5 submissions from 5 submitters: Likely benign (5). Last evaluated 2026-01-04.

Conditions:
Hereditary pheochromocytoma and paraganglioma. Also called: Hereditary Paraganglioma-Pheochromocytoma Syndromes; Hereditary paragangliomas and pheochromocytomas; Hereditary pheochromocytoma-paraganglioma. Identifiers: Orphanet 29072, MedGen C4274332, MONDO:0017366.
Pheochromocytoma/paraganglioma syndrome 4. Also called: Paragangliomas 4; PARAGANGLIOMA, FAMILIAL MALIGNANT; PARAGANGLIOMAS, HEREDITARY EXTRAADRENAL; PHEOCHROMOCYTOMA, FAMILIAL EXTRAADRENAL; CAROTID BODY TUMORS AND MULTIPLE EXTRAADRENAL PHEOCHROMOCYTOMAS; SDHB-Related Hereditary Paraganglioma-Pheochromocytoma Syndrome (Paragangliomas 4). Identifiers: Orphanet 29072, MedGen C1861848, MONDO:0007273, OMIM 115310.
Gastrointestinal stromal tumor. Also called: Gastrointestinal stroma tumor; Gastrointestinal stromal tumor, somatic. Identifiers: Orphanet 44890, MedGen C0238198, MeSH D046152, MONDO:0011719, OMIM 606764, HP:0100723.
Pheochromocytoma. Also called: MAX-Related Hereditary Paraganglioma-Pheochromocytoma Syndrome. Identifiers: Orphanet 29072, MedGen C0031511, MONDO:0008233, OMIM 171300, HP:0002666.
Hereditary cancer-predisposing syndrome. Also called: Hereditary neoplastic syndrome; Tumor predisposition; Neoplastic Syndromes, Hereditary; Hereditary Cancer Syndrome. Identifiers: Orphanet 140162, MedGen C0027672, MeSH D009386, MONDO:0015356.

Submissions (5):

Labcorp Genetics (formerly Invitae), Labcorp
Classification: Likely benign for Gastrointestinal stromal tumor; Pheochromocytoma/paraganglioma syndrome 4; Pheochromocytoma. Last evaluated: 2026-01-04. Review status: criteria provided, single submitter. Criteria: Invitae Variant Classification Sherloc (09022015). Collection method: clinical testing. Allele origin: germline.

Center for Genomic Medicine, Rigshospitalet, Copenhagen University Hospital
Classification: Likely benign. Last evaluated: 2025-03-04. Review status: criteria provided, single submitter. Criteria: ACMG Guidelines, 2015. Collection method: clinical testing. Allele origin: germline.

CeGaT Center for Human Genetics Tuebingen
Classification: Likely benign. Last evaluated: 2024-09-01. Review status: criteria provided, single submitter. Criteria: CeGaT Center For Human Genetics Tuebingen Variant Classification Criteria Version 2. Collection method: clinical testing. Allele origin: germline. Affected: yes. Observed: 1 variant allele.
Comment: SDHB: BP4, BP7

Color Diagnostics, LLC DBA Color Health
Classification: Likely benign for Hereditary pheochromocytoma and paraganglioma. Last evaluated: 2022-11-06. Review status: criteria provided, single submitter. Criteria: ACMG Guidelines, 2015. Collection method: clinical testing. Allele origin: germline.

Ambry Genetics
Classification: Likely benign for Hereditary cancer-predisposing syndrome. Last evaluated: 2016-05-19. Review status: criteria provided, single submitter. Criteria: Ambry Variant Classification Scheme 2023. Collection method: clinical testing. Allele origin: germline.

NM_003000.3(SDHB):c.15C>A (p.Val5=)

Gene: SDHB (succinate dehydrogenase complex iron sulfur subunit B; minus strand). Cytogenetic location: 1p36.13.
Variant type: single nucleotide variant.
Coding change: c.15C>A on transcript NM_003000.3 (MANE Select); coding-DNA position 15, C replaced by A.
Protein change: p.Val5=; no amino-acid change (valine 5 retained).
Molecular consequence: synonymous variant.
Genome position (GRCh38, 1-based): chr1:17,054,005, G>T on the plus strand (C>A on the coding strand, the complement: SDHB is on the minus strand). VCF-style: chr1-17054005-G-T. GRCh37 (hg19) VCF-style: chr1-17380500-G-T.
Identifiers: ClinVar variation 480831 (VCV000480831.31), dbSNP rs1182998682, ClinGen allele CA416048822.